The following is an entry in ClinVar:

NM_001367624.2(ZNF469):c.11717A>G (p.Lys3906Arg)

Gene: ZNF469 (zinc finger protein 469; plus strand). Cytogenetic location: 16q24.2.
Variant type: single nucleotide variant.
Coding change: c.11717A>G on transcript NM_001367624.2 (MANE Select); coding-DNA position 11717, A replaced by G.
Protein change: p.Lys3906Arg; replaces lysine 3906 with arginine.
Molecular consequence: missense variant.
Genome position (GRCh38, 1-based): chr16:88,439,187, A>G. VCF-style: chr16-88439187-A-G. GRCh37 (hg19) VCF-style: chr16-88505595-A-G.
Other names: short protein forms K3906R.
Identifiers: ClinVar variation 2134419 (VCV002134419.1), dbSNP rs1381359439, ClinGen allele CA397131065.
Genomic context (GRCh38, chr16:88,439,187, plus strand): 5'-AGAGGAAGGACAGACTGGGCAAGGCCTTCCCCCAGGGGAGACCCCTGCTCAGGCCCCCCA[A>G]GAGGGGCACAGCTGTCCACGGTGCTGAACCTGCCGAGCCACACACCCACCGGACGGCCGA-3'
Protein context (NP_001354553.1, residues 3896-3916): PQGRPLLRPP[Lys3906Arg]RGTAVHGAEP

ClinVar aggregate classification (germline): Uncertain significance (1 of 4 stars; one submission).

gnomAD v4.1: 3 of 1,550,404 alleles (0.00019%); highest among the groups gnomAD compares: East Asian, 0.0024%; no homozygotes.

Submission:

Labcorp Genetics (formerly Invitae), Labcorp
Classification: Uncertain significance. Last evaluated: 2022-05-05. Review status: criteria provided, single submitter. Criteria: Invitae Variant Classification Sherloc (09022015). Collection method: clinical testing. Allele origin: germline.
Comment: This sequence change replaces lysine, which is basic and polar, with arginine, which is basic and polar, at codon 3878 of the ZNF469 protein (p.Lys3878Arg). This variant is not present in population databases (gnomAD no frequency). This variant has not been reported in the literature in individuals affected with ZNF469-related conditions. Algorithms developed to predict the effect of missense changes on protein structure and function output the following: SIFT: "Tolerated"; PolyPhen-2: "Benign"; Align-GVGD: "Class C0". The arginine amino acid residue is found in multiple mammalian species, which suggests that this missense change does not adversely affect protein function. In summary, the available evidence is currently insufficient to determine the role of this variant in disease. Therefore, it has been classified as a Variant of Uncertain Significance.